The following is an entry in ClinVar:

NM_001430.5(EPAS1):c.2072G>T (p.Gly691Val)

Gene: EPAS1 (endothelial PAS domain protein 1; plus strand). Cytogenetic location: 2p21.
Variant type: single nucleotide variant.
Coding change: c.2072G>T on transcript NM_001430.5 (MANE Select); coding-DNA position 2072, G replaced by T.
Protein change: p.Gly691Val; replaces glycine 691 with valine.
Molecular consequence: missense variant.
Genome position (GRCh38, 1-based): chr2:46,381,622, G>T. VCF-style: chr2-46381622-G-T. GRCh37 (hg19) VCF-style: chr2-46608761-G-T.
Other names: short protein forms G691V.
Identifiers: ClinVar variation 3508978 (VCV003508978.1).
Genomic context (GRCh38, chr2:46,381,622, plus strand): 5'-ACTCCCTCATAGCCTGCTCTCTCGGGCTTGGCAGGTCTGCAAAGGGTTTTGGGGCTCGAG[G>T]CCCAGACGTGCTGAGTCCGGCCATGGTAGCCCTCTCCAACAAGCTGAAGCTGAAGCGACA-3'
Protein context (NP_001421.2, residues 681-701): TRSAKGFGAR[Gly691Val]PDVLSPAMVA

ClinVar aggregate classification (germline): Uncertain significance (1 of 4 stars; one submission).

Conditions:
Inborn genetic diseases. Identifiers: MedGen C0950123, MeSH D030342.

Submission:

Ambry Genetics
Classification: Uncertain significance for Inborn genetic diseases. Last evaluated: 2024-09-01. Review status: criteria provided, single submitter. Criteria: Ambry Variant Classification Scheme 2023. Collection method: clinical testing. Allele origin: germline.
Comment: The p.G691V variant (also known as c.2072G>T), located in coding exon 13 of the EPAS1 gene, results from a G to T substitution at nucleotide position 2072. The glycine at codon 691 is replaced by valine, an amino acid with dissimilar properties. This amino acid position is conserved. In addition, this alteration is predicted to be tolerated by in silico analysis. Based on the available evidence, the clinical significance of this variant remains unclear.